The following is an entry in ClinVar:

NM_001458.5(FLNC):c.272A>C (p.Asn91Thr)

Gene: FLNC (filamin C; plus strand). Cytogenetic location: 7q32.1.
Variant type: single nucleotide variant.
Coding change: c.272A>C on transcript NM_001458.5 (MANE Select); coding-DNA position 272, A replaced by C.
Protein change: p.Asn91Thr; replaces asparagine 91 with threonine.
Molecular consequence: missense variant.
Genome position (GRCh38, 1-based): chr7:128,830,909, A>C. VCF-style: chr7-128830909-A-C. GRCh37 (hg19) VCF-style: chr7-128470963-A-C.
Other names: c.272A>C, p.Asn91Thr (NM_001127487.2); c.272A>C (NM_001458.4); short protein forms N91T.
Identifiers: ClinVar variation 283144 (VCV000283144.11), dbSNP rs886042565, ClinGen allele CA10604406.

ClinVar aggregate classification (germline): Uncertain significance. Review status: criteria provided, multiple submitters, no conflicts (2 of 4 stars). 4 submissions from 4 submitters: Uncertain significance (4). Last evaluated 2025-11-17.

Conditions:
Hypertrophic cardiomyopathy 26. Also called: Cardiomyopathy, familial hypertrophic, 26. Identifiers: Orphanet 75249, MedGen C4310749, MONDO:0014883, OMIM 617047.
Distal myopathy with posterior leg and anterior hand involvement. Also called: WILLIAMS DISTAL MYOPATHY. Identifiers: Orphanet 63273, MedGen C3279722, MONDO:0013550, OMIM 614065.
Myofibrillar myopathy 5. Also called: Filaminopathy (type); FILAMINOPATHY, AUTOSOMAL DOMINANT. Identifiers: Orphanet 171445, MedGen C1836050, MONDO:0012289, OMIM 609524.
Cardiovascular phenotype. Identifiers: MedGen CN230736.

gnomAD v4.1: 1 of 1,613,064 alleles (0.000062%); highest among the groups gnomAD compares: Middle Eastern, 0.016%; no homozygotes.

Submissions (4):

Women's Health and Genetics/Laboratory Corporation of America, LabCorp
Classification: Uncertain significance. Last evaluated: 2025-11-17. Review status: criteria provided, single submitter. Criteria: LabCorp Variant Classification Summary - May 2015. Collection method: clinical testing. Allele origin: germline.
Comment: Variant summary: FLNC c.272A>C (p.Asn91Thr) results in a non-conservative amino acid change in the encoded protein sequence. Algorithms developed to predict the effect of missense changes on protein structure and function are either unavailable or do not agree on the potential impact of this missense change. The variant was absent in 249744 control chromosomes (gnomAD). The available data on variant occurrences in the general population are insufficient to allow any conclusion about variant significance. c.272A>C has been observed in at least one individual affected with limb-girdle muscular dystrophies (Aurino_2008). The report does not provide unequivocal conclusions about association of the variant with Dilated Cardiomyopathy. To our knowledge, no experimental evidence demonstrating an impact on protein function has been reported. The following publication have been ascertained in the context of this evaluation (PMID: 19472918). ClinVar contains an entry for this variant (Variation ID: 283144). Based on the evidence outlined above, the variant was classified as uncertain significance.

Labcorp Genetics (formerly Invitae), Labcorp
Classification: Uncertain significance for Distal myopathy with posterior leg and anterior hand involvement; Myofibrillar myopathy 5; Hypertrophic cardiomyopathy 26. Last evaluated: 2025-11-12. Review status: criteria provided, single submitter. Criteria: Invitae Variant Classification Sherloc (09022015). Collection method: clinical testing. Allele origin: germline.
Comment: This sequence change replaces asparagine, which is neutral and polar, with threonine, which is neutral and polar, at codon 91 of the FLNC protein (p.Asn91Thr). This variant is not present in population databases (gnomAD no frequency). This variant has not been reported in the literature in individuals affected with FLNC-related conditions. ClinVar contains an entry for this variant (Variation ID: 283144). Invitae Evidence Modeling of protein sequence and biophysical properties (such as structural, functional, and spatial information, amino acid conservation, physicochemical variation, residue mobility, and thermodynamic stability) has been performed for this missense variant. However, the output from this modeling did not meet the statistical confidence thresholds required to predict the impact of this variant on FLNC protein function. In summary, the available evidence is currently insufficient to determine the role of this variant in disease. Therefore, it has been classified as a Variant of Uncertain Significance.

Ambry Genetics
Classification: Uncertain significance for Cardiovascular phenotype. Last evaluated: 2025-05-14. Review status: criteria provided, single submitter. Criteria: Ambry Variant Classification Scheme 2023. Collection method: clinical testing. Allele origin: germline.
Comment: The p.N91T variant (also known as c.272A>C), located in coding exon 1 of the FLNC gene, results from an A to C substitution at nucleotide position 272. The asparagine at codon 91 is replaced by threonine, an amino acid with similar properties. This amino acid position is conserved. In addition, the in silico prediction for this alteration is inconclusive. Based on the available evidence, the clinical significance of this variant remains unclear.

Eurofins Ntd Llc (ga)
Classification: Uncertain significance. Last evaluated: 2015-09-19. Review status: criteria provided, single submitter. Criteria: EGL Classification Definitions 2015. Collection method: clinical testing. Allele origin: germline. Observed: 2 variant alleles, 2 heterozygotes.

Literature cited by the submitters: PubMed 19472918 (cited by Women's Health and Genetics/Laboratory Corporation of America, LabCorp).